The following is an entry in ClinVar:

NM_007294.4(BRCA1):c.5278-21T>C

Gene: BRCA1 (BRCA1 DNA repair associated; minus strand). Cytogenetic location: 17q21.31.
Variant type: single nucleotide variant.
Coding change: c.5278-21T>C on transcript NM_007294.4 (MANE Select); 21 bases into the intron before coding-DNA position 5278, T replaced by C.
Molecular consequence: intron variant.
Genome position (GRCh38, 1-based): chr17:43,051,138, A>G on the plus strand (T>C on the coding strand, the complement: BRCA1 is on the minus strand). VCF-style: chr17-43051138-A-G. GRCh37 (hg19) VCF-style: chr17-41203155-A-G.
Other names: c.5275-21T>C (NM_001407621.1, NM_001407613.1, NM_001407618.1 and 17 more transcripts); c.5278-21T>C (NM_001407593.1, NM_001407603.1, NM_001407854.1 and 6 more transcripts); c.1825-21T>C (NM_001408458.1, NM_001408461.1, NM_001408464.1 and 7 more transcripts); c.4387-21T>C (NM_001407967.1); c.4897-21T>C (NM_001407959.1); c.5011-21T>C (NM_001407931.1, NM_001407932.1, NM_001407928.1 and 4 more transcripts); c.5134-21T>C (NM_001407747.1, NM_001407745.1, NM_001407737.1 and 21 more transcripts); c.4894-21T>C (NM_001407962.1, NM_001407960.1); and 74 more.
Identifiers: ClinVar variation 865240 (VCV000865240.3), dbSNP rs2051219103, ClinGen allele CA916081107.

Conditions:
Breast-ovarian cancer, familial, susceptibility to, 1 (BROVCA1). Also called: BRCA1 Hereditary Breast and Ovarian Cancer; OVARIAN CANCER, SUSCEPTIBILITY TO. Identifiers: Orphanet 145, MedGen C2676676, MONDO:0011450, OMIM 604370. Disease mechanism: loss of function.

Submission:

Brotman Baty Institute, University of Washington
No classification provided (evidence only). Condition: Breast-ovarian cancer, familial 1. Review status: no classification provided. Collection method: in vitro. Allele origin: not applicable. Functional consequence: functionally_normal.
ClinVar note: "not provided" was previously submitted as the classification for the variant. However, the classification appeared to be based only on an observation of functional data so it was converted to no classification on 2025-07-30.